The following is an entry in ClinVar:

ClinVar aggregate classification (germline): Uncertain significance (1 of 4 stars; one submission).

Conditions:
Early-onset Parkinson disease 20. Also called: PARKINSON DISEASE 20, AUTOSOMAL RECESSIVE EARLY-ONSET. Identifiers: Orphanet 391411, MedGen C3809824, MONDO:0014233, OMIM 615530.
Developmental and epileptic encephalopathy, 53. Also called: Epileptic encephalopathy, early infantile, 53. Identifiers: MedGen C4479313, MONDO:0033362, OMIM 617389.

Allele frequency attached by ClinVar (database versions not stated): gnomAD exomes below 0.00001; TOPMed below 0.00001.
gnomAD v4.1: 1 of 1,613,666 alleles (0.000062%); highest among the groups gnomAD compares: Non-Finnish European, 0.000085%; no homozygotes.

Submission:

Labcorp Genetics (formerly Invitae), Labcorp
Classification: Uncertain significance for Developmental and epileptic encephalopathy, 53; Early-onset Parkinson disease 20. Last evaluated: 2023-08-24. Review status: criteria provided, single submitter. Criteria: Invitae Variant Classification Sherloc (09022015). Collection method: clinical testing. Allele origin: germline.
Comment: This variant is not present in population databases (gnomAD no frequency). This sequence change replaces glutamic acid, which is acidic and polar, with valine, which is neutral and non-polar, at codon 1198 of the SYNJ1 protein (p.Glu1198Val). This variant has not been reported in the literature in individuals affected with SYNJ1-related conditions. ClinVar contains an entry for this variant (Variation ID: 962874). An algorithm developed to predict the effect of missense changes on protein structure and function (PolyPhen-2) suggests that this variant is likely to be disruptive. Algorithms developed to predict the effect of sequence changes on RNA splicing suggest that this variant may disrupt the consensus splice site. In summary, the available evidence is currently insufficient to determine the role of this variant in disease. Therefore, it has been classified as a Variant of Uncertain Significance.

NM_203446.3(SYNJ1):c.3476A>T (p.Glu1159Val)

Gene: SYNJ1 (synaptojanin 1; minus strand). Cytogenetic location: 21q22.11.
Variant type: single nucleotide variant.
Coding change: c.3476A>T on transcript NM_203446.3 (MANE Select); coding-DNA position 3476, A replaced by T.
Protein change: p.Glu1159Val; replaces glutamic acid 1159 with valine.
Molecular consequence: missense variant. On other transcripts: intron variant (2).
Genome position (GRCh38, 1-based): chr21:32,643,412, T>A on the plus strand (A>T on the coding strand, the complement: SYNJ1 is on the minus strand). VCF-style: chr21-32643412-T-A. GRCh37 (hg19) VCF-style: chr21-34015722-T-A.
Other names: c.3593A>T, p.Glu1198Val (NM_003895.4); c.3431-1279A>T (NM_001160302.2); c.3377-1446A>T (NM_001160306.2); short protein forms E1198V, E1159V.
Identifiers: ClinVar variation 962874 (VCV000962874.10), dbSNP rs2039931880, ClinGen allele CA410066687.